The following is an entry in ClinVar:

ClinVar aggregate classification (germline): Pathogenic. Review status: criteria provided, multiple submitters, no conflicts (2 of 4 stars). 2 submissions from 2 submitters: Pathogenic (2). Last evaluated 2017-01-17.

Conditions:
Hereditary breast ovarian cancer syndrome. Also called: Hereditary breast and ovarian cancer syndrome (HBOC); Breast and ovarian cancer; Hereditary breast and ovarian cancer syndrome; Hereditary breast and ovarian cancer; BRCA1- and BRCA2-Associated Hereditary Breast and Ovarian Cancer; Hereditary breast and/or ovarian cancer syndrome. Identifiers: Orphanet 145, MedGen C0677776, MeSH D061325, MONDO:0003582. Disease mechanism: loss of function.
Breast-ovarian cancer, familial, susceptibility to, 1 (BROVCA1). Also called: BRCA1 Hereditary Breast and Ovarian Cancer; OVARIAN CANCER, SUSCEPTIBILITY TO. Identifiers: Orphanet 145, MedGen C2676676, MONDO:0011450, OMIM 604370. Disease mechanism: loss of function.

Submissions (2):

Labcorp Genetics (formerly Invitae), Labcorp
Classification: Pathogenic for Hereditary breast ovarian cancer syndrome. Last evaluated: 2017-01-17. Review status: criteria provided, single submitter. Criteria: Invitae Variant Classification Sherloc (09022015). Collection method: clinical testing. Allele origin: germline.
Comment: This variant is a gross deletion of the genomic region encompassing exon 2 of the BRCA1 gene, which includes the initiator codon. The 5' end of this event is unknown as it extends beyond the assayed region for this gene and therefore may encompass additional genes. The 3' boundary is likely confined to intron 2 of the BRCA1 gene. This change is expected to result in an absent or disrupted protein product. Deletions of exons 1 (non-coding) and 2 have been reported as a recurrent mutation in individuals affected with breast and ovarian cancer (PMID: 19405878, 16715518, 26911350, 23479189, 12700174, 23640417, 20727672). For these reasons, this variant has been classified as Pathogenic.

Consortium of Investigators of Modifiers of BRCA1/2 (CIMBA), c/o University of Cambridge
Classification: Pathogenic for Breast-ovarian cancer, familial, susceptibility to, 1. Last evaluated: 2015-10-02. Review status: criteria provided, single submitter. Criteria: CIMBA Mutation Classification guidelines May 2016. Collection method: clinical testing. Allele origin: germline.

NM_007294.3(BRCA1):c.-19-?_80+?del

Gene: BRCA1 (BRCA1 DNA repair associated; minus strand). Cytogenetic location: 17q21.31.
Variant type: Deletion.
Coding change: c.-19-?_80+?del on transcript NM_007294.3.
Other names: c.-19-?_80+?del (LRG_292t1).
Identifiers: ClinVar variation 254080 (VCV000254080.3).